The following is an entry in ClinVar:

ClinVar aggregate classification (germline): Conflicting classifications of pathogenicity. Review status: criteria provided, conflicting classifications (1 of 4 stars). 3 submissions from 3 submitters: Uncertain significance (2); Likely benign (1). Last evaluated 2025-09-10.

Conditions:
Hereditary nonpolyposis colorectal neoplasms. Identifiers: MedGen C0009405, MeSH D003123.
Hereditary cancer-predisposing syndrome. Also called: Neoplastic Syndromes, Hereditary; Tumor predisposition; Hereditary neoplastic syndrome; Hereditary Cancer Syndrome. Identifiers: Orphanet 140162, MedGen C0027672, MeSH D009386, MONDO:0015356.

Allele frequency attached by ClinVar (database versions not stated): gnomAD exomes below 0.00001.
gnomAD v4.1: 3 of 1,613,956 alleles (0.00019%); highest among the groups gnomAD compares: Non-Finnish European, 0.00017%; no homozygotes.

Submissions (3):

Ambry Genetics
Classification: Likely benign for Hereditary cancer-predisposing syndrome. Last evaluated: 2025-09-10. Review status: criteria provided, single submitter. Criteria: Ambry Variant Classification Scheme 2023. Collection method: clinical testing. Allele origin: germline.

Labcorp Genetics (formerly Invitae), Labcorp
Classification: Uncertain significance for Hereditary nonpolyposis colorectal neoplasms. Last evaluated: 2025-07-07. Review status: criteria provided, single submitter. Criteria: Invitae Variant Classification Sherloc (09022015). Collection method: clinical testing. Allele origin: germline.
Comment: This sequence change replaces glutamic acid, which is acidic and polar, with lysine, which is basic and polar, at codon 410 of the PMS2 protein (p.Glu410Lys). This variant is not present in population databases (gnomAD no frequency). This variant has not been reported in the literature in individuals affected with PMS2-related conditions. ClinVar contains an entry for this variant (Variation ID: 579297). Invitae Evidence Modeling incorporating data from in vitro experimental studies (internal data) indicates that this missense variant is not expected to disrupt PMS2 function with a negative predictive value of 95%. In summary, the available evidence is currently insufficient to determine the role of this variant in disease. Therefore, it has been classified as a Variant of Uncertain Significance.

Color Diagnostics, LLC DBA Color Health
Classification: Uncertain significance for Hereditary cancer-predisposing syndrome. Last evaluated: 2025-04-06. Review status: criteria provided, single submitter. Criteria: ACMG Guidelines, 2015. Collection method: clinical testing. Allele origin: germline.
Comment: This missense variant replaces glutamic acid with lysine at codon 410 of the PMS2 protein. Computational prediction suggests that this variant may not impact protein structure and function (internally defined REVEL score threshold <= 0.5, PMID: 27666373). To our knowledge, functional studies have not been reported for this variant. This variant has not been reported in individuals affected with hereditary cancer in the literature. This variant has not been identified in the general population by the Genome Aggregation Database (gnomAD). The available evidence is insufficient to determine the role of this variant in disease conclusively. Therefore, this variant is classified as a Variant of Uncertain Significance.

NM_000535.7(PMS2):c.1228G>A (p.Glu410Lys)

Gene: PMS2 (PMS1 homolog 2, mismatch repair system component; minus strand). Cytogenetic location: 7p22.1.
Variant type: single nucleotide variant.
Coding change: c.1228G>A on transcript NM_000535.7 (MANE Select); coding-DNA position 1228, G replaced by A.
Protein change: p.Glu410Lys; replaces glutamic acid 410 with lysine.
Molecular consequence: missense variant. On other transcripts: non-coding transcript variant (1).
Genome position (GRCh38, 1-based): chr7:5,987,537, C>T on the plus strand (G>A on the coding strand, the complement: PMS2 is on the minus strand). VCF-style: chr7-5987537-C-T. GRCh37 (hg19) VCF-style: chr7-6027168-C-T.
Other names: c.823G>A, p.Glu275Lys (NM_001322003.2, NM_001322004.2, NM_001322005.2 and 1 more transcripts); c.1072G>A, p.Glu358Lys (NM_001322006.2); c.910G>A, p.Glu304Lys (NM_001322007.2, NM_001322008.2); c.667G>A, p.Glu223Lys (NM_001322010.2); c.295G>A, p.Glu99Lys (NM_001322011.2, NM_001322012.2); c.655G>A, p.Glu219Lys (NM_001322013.2); c.1228G>A, p.Glu410Lys (NM_001322014.2); c.919G>A, p.Glu307Lys (NM_001322015.2); short protein forms E410K, E223K, E304K, E307K, E219K, E275K, E358K, E99K.
Identifiers: ClinVar variation 579297 (VCV000579297.14), dbSNP rs1358586679, ClinGen allele CA366742527.
Genomic context (GRCh38, chr7:5,987,537, plus strand): 5'-TTGTGTGACGAAGAGAAAAGGCCTCTCGCAGTCTGGAAATGGACACGTCTTTTTTTTCTT[C>T]TCCAGTCCTTAATGAAGGGGATTGATCCTGCTTTTCTACCATGGGCTTTTCCAAATCCGC-3'
Protein context (NP_000526.2, residues 400-420): QDQSPSLRTG[Glu410Lys]EKKDVSISRL